The following is an entry in ClinVar:

ClinVar aggregate classification (germline): Uncertain significance. Review status: criteria provided, single submitter (1 of 4 stars). 2 submissions from 2 submitters: Uncertain significance (1). 1 of the submissions does not count toward it. Last evaluated 2026-04-22.

Conditions:
TTN-related disorder. Also called: TTN-related disorders; TTN-related condition; TTN-related disease.

gnomAD v4.1: 9 of 1,613,822 alleles (0.00056%); highest among the groups gnomAD compares: Admixed American, 0.0017%; 1 homozygote.

Submissions (2):

GeneDx
Classification: Uncertain significance. Last evaluated: 2026-04-22. Review status: criteria provided, single submitter. Criteria: GeneDx Variant Classification Process June 2021. Collection method: clinical testing. Allele origin: germline.
Comment: Not observed at significant frequency in large population cohorts (gnomAD); Missense variant in a gene in which most reported pathogenic variants are truncating/loss of function; Has not been previously published as pathogenic or benign to our knowledge; This variant is associated with the following publications: (PMID: 23975875)

PreventionGenetics, part of Exact Sciences
Classification: Uncertain significance for TTN-related condition. Last evaluated: 2024-07-15. Review status: no assertion criteria provided. Collection method: clinical testing. Allele origin: germline. Not counted in ClinVar's aggregate classification.
Comment: The TTN c.93172G>A variant is predicted to result in the amino acid substitution p.Ala31058Thr. To our knowledge, this variant has not been reported in the literature. This variant is reported in 0.0029% of alleles in individuals of Latino descent in gnomAD. At this time, the clinical significance of this variant is uncertain due to the absence of conclusive functional and genetic evidence.

NM_001267550.2(TTN):c.93172G>A (p.Ala31058Thr)

Genes: TTN (titin; minus strand), TTN-AS1 (TTN antisense RNA 1; plus strand). Cytogenetic location: 2q31.2.
Variant type: single nucleotide variant.
Coding change: c.93172G>A on transcript NM_001267550.2 (MANE Select); coding-DNA position 93172, G replaced by A.
Protein change: p.Ala31058Thr; replaces alanine 31058 with threonine.
Molecular consequence: missense variant.
Genome position (GRCh38, 1-based): chr2:178,548,454, C>T on the plus strand (G>A on the coding strand, the complement: TTN is on the minus strand). VCF-style: chr2-178548454-C-T. GRCh37 (hg19) VCF-style: chr2-179413181-C-T.
Other names: c.88249G>A, p.Ala29417Thr (NM_001256850.1); c.65977G>A, p.Ala21993Thr (NM_003319.4); c.85468G>A, p.Ala28490Thr (NM_133378.4); c.66352G>A, p.Ala22118Thr (NM_133432.3); c.66553G>A, p.Ala22185Thr (NM_133437.4); short protein forms A21993T, A22118T, A22185T, A28490T, A29417T, A31058T.
Identifiers: ClinVar variation 2503121 (VCV002503121.3), dbSNP rs1232455758, ClinGen allele CA349487349.
Genomic context (GRCh38, chr2:178,548,454, plus strand): 5'-TGACCTTGAAGATCTGACGAGTGCATTTTTCACTGATAACCTGCCAACTACGGCGACTTG[C>T]CTCTCGTTTCTCTACCACATAATGATGGATTCGGGCACCACCGTCAAGAAGAGGGGCATC-3'
Protein context (NP_001254479.2, residues 31048-31068): IHHYVVEKRE[Ala31058Thr]SRRSWQVISE